The following is an entry in ClinVar:

ClinVar aggregate classification (germline): Likely benign (1 of 4 stars; one submission).

Conditions:
MEG3-related disorder. Also called: MEG3-related condition.

Submission:

PreventionGenetics, part of Exact Sciences
Classification: Likely benign for MEG3-related condition. Last evaluated: 2025-07-16. Review status: criteria provided, single submitter. Criteria: ACMG Guidelines, 2015. Collection method: clinical testing. Allele origin: germline.
Comment: This variant is classified as likely benign based on ACMG/AMP sequence variant interpretation guidelines (Richards et al. 2015 PMID: 25741868, with internal and published modifications).

NR_190993.1(MEG3):n.174G>T

Gene: MEG3 (maternally expressed 3; plus strand). Cytogenetic location: 14q32.2.
Variant type: single nucleotide variant.
Molecular consequence: non-coding transcript variant (on NR_190993.1).
Genome position: GRCh38 VCF-style: chr14-100828781-G-T. GRCh37 (hg19) VCF-style: chr14-101295118-G-T.
Identifiers: ClinVar variation 4996734 (VCV004996734.1).